The following is an entry in ClinVar:

ClinVar aggregate classification (germline): Uncertain significance (1 of 4 stars; one submission).

Submission:

GeneDx
Classification: Uncertain significance. Last evaluated: 2026-03-04. Review status: criteria provided, single submitter. Criteria: GeneDx Variant Classification Process June 2021. Collection method: clinical testing. Allele origin: germline.
Comment: Not observed at significant frequency in large population cohorts (gnomAD); In silico analysis suggests that this missense variant does not alter protein structure/function; Has not been previously published as pathogenic or benign to our knowledge

NM_002025.4(AFF2):c.382G>A (p.Asp128Asn)

Gene: AFF2 (ALF transcription elongation factor 2; plus strand). Cytogenetic location: Xq28.
Variant type: single nucleotide variant.
Coding change: c.382G>A on transcript NM_002025.4 (MANE Select); coding-DNA position 382, G replaced by A.
Protein change: p.Asp128Asn; replaces aspartic acid 128 with asparagine.
Molecular consequence: missense variant.
Genome position (GRCh38, 1-based): chrX:148,662,109, G>A. VCF-style: chrX-148662109-G-A. GRCh37 (hg19) VCF-style: chrX-147743630-G-A.
Other names: c.370G>A, p.Asp124Asn (NM_001169122.2, NM_001169123.2, NM_001169125.2); c.382G>A, p.Asp128Asn (NM_001169124.2); short protein forms D128N, D124N.
Identifiers: ClinVar variation 5008566 (VCV005008566.1).